The following is an entry in ClinVar:

ClinVar aggregate classification (germline): Uncertain significance (1 of 4 stars; one submission).

Allele frequency attached by ClinVar (database versions not stated): gnomAD 0.00001 and 0.00002; gnomAD exomes 0.00001 and 0.00003; ExAC 0.00002; TOPMed 0.00002; 1000 Genomes Project 30x 0.00016; 1000 Genomes Project 0.00020.
gnomAD v4.1: 25 of 1,613,776 alleles (0.0015%); highest among the groups gnomAD compares: East Asian, 0.047%; no homozygotes.

Submission:

GeneDx
Classification: Uncertain significance. Last evaluated: 2013-09-17. Review status: criteria provided, single submitter. Criteria: GeneDx Variant Classification (06012015). Collection method: clinical testing. Allele origin: germline. Affected: yes.
Comment: Missense variants in the TTN gene are considered 'unclassified' if they are not previously reported in the literature and do not have >1% frequency in the population to be considered a polymorphism. Research indicates that truncating mutations in the TTN gene are expected to account for approximately 25% of familial and 18% of sporadic idiopathic DCM; however, truncating variants in the TTN gene have been reported in approximately 3% of reported control alleles. There has been little investigation into non-truncating variants. (Herman D et al. Truncations of titin causing dilated cardiomyopathy. N Eng J Med 366:619-628, 2012) The variant is found in DCM panel(s).

NM_001267550.2(TTN):c.99151G>A (p.Glu33051Lys)

Genes: TTN (titin; minus strand), TTN-AS1 (TTN antisense RNA 1; plus strand). Cytogenetic location: 2q31.2.
Variant type: single nucleotide variant.
Coding change: c.99151G>A on transcript NM_001267550.2 (MANE Select); coding-DNA position 99151, G replaced by A.
Protein change: p.Glu33051Lys; replaces glutamic acid 33051 with lysine.
Molecular consequence: missense variant.
Genome position (GRCh38, 1-based): chr2:178,538,678, C>T on the plus strand (G>A on the coding strand, the complement: TTN is on the minus strand). VCF-style: chr2-178538678-C-T. GRCh37 (hg19) VCF-style: chr2-179403405-C-T.
Other names: p.E31410K:GAA>AAA; c.94228G>A, p.Glu31410Lys (NM_001256850.1); c.71956G>A, p.Glu23986Lys (NM_003319.4); c.91447G>A, p.Glu30483Lys (NM_133378.4); c.72331G>A, p.Glu24111Lys (NM_133432.3); c.72532G>A, p.Glu24178Lys (NM_133437.4); short protein forms E31410K, E33051K, E23986K, E24178K, E30483K, E24111K.
Identifiers: ClinVar variation 203045 (VCV000203045.6), dbSNP rs144319649, ClinGen allele CA311073.